The following is an entry in ClinVar:

ClinVar aggregate classification (germline): Uncertain significance (1 of 4 stars; one submission).

Conditions:
TCOF1-related disorder. Also called: TCOF1-related condition.

gnomAD v4.1: 15 of 1,613,794 alleles (0.00093%); highest among the groups gnomAD compares: East Asian, 0.0022%; no homozygotes.

Submission:

PreventionGenetics, part of Exact Sciences
Classification: Uncertain significance for TCOF1-related condition. Last evaluated: 2025-11-14. Review status: criteria provided, single submitter. Criteria: ACMG Guidelines, 2015. Collection method: clinical testing. Allele origin: germline.
Comment: The TCOF1 c.1313C>T variant is predicted to result in the amino acid substitution p.Ala438Val. To our knowledge, this variant has not been reported in the literature. This variant is reported in 0.0055% of alleles in individuals of East Asian descent in gnomAD. At this time, the clinical significance of this variant is uncertain due to the absence of conclusive functional and genetic evidence.

NM_001371623.1(TCOF1):c.1313C>T (p.Ala438Val)

Gene: TCOF1 (treacle ribosome biogenesis factor 1; plus strand). Cytogenetic location: 5q32.
Variant type: single nucleotide variant.
Coding change: c.1313C>T on transcript NM_001371623.1 (MANE Select); coding-DNA position 1313, C replaced by T.
Protein change: p.Ala438Val; replaces alanine 438 with valine.
Molecular consequence: missense variant.
Genome position (GRCh38, 1-based): chr5:150,374,988, C>T. VCF-style: chr5-150374988-C-T. GRCh37 (hg19) VCF-style: chr5-149754551-C-T.
Other names: c.1082C>T, p.Ala361Val (NM_000356.4, NM_001135245.2, NM_001437406.1); c.1313C>T, p.Ala438Val (NM_001008657.3, NM_001135243.2, NM_001135244.2 and 1 more transcripts); short protein forms A438V, A361V.
Identifiers: ClinVar variation 4986071 (VCV004986071.1).